The following is an entry in ClinVar:

ClinVar aggregate classification (germline): Uncertain significance. Review status: criteria provided, multiple submitters, no conflicts (2 of 4 stars). 2 submissions from 2 submitters: Uncertain significance (2). Last evaluated 2025-02-13.

Submissions (2):

Labcorp Genetics (formerly Invitae), Labcorp
Classification: Uncertain significance. Last evaluated: 2025-02-13. Review status: criteria provided, single submitter. Criteria: Invitae Variant Classification Sherloc (09022015). Collection method: clinical testing. Allele origin: germline.
Comment: This sequence change replaces tyrosine, which is neutral and polar, with histidine, which is basic and polar, at codon 1309 of the SETBP1 protein (p.Tyr1309His). This variant is not present in population databases (gnomAD no frequency). This variant has not been reported in the literature in individuals affected with SETBP1-related conditions. ClinVar contains an entry for this variant (Variation ID: 1315348). Invitae Evidence Modeling of protein sequence and biophysical properties (such as structural, functional, and spatial information, amino acid conservation, physicochemical variation, residue mobility, and thermodynamic stability) indicates that this missense variant is expected to disrupt SETBP1 protein function with a positive predictive value of 80%. In summary, the available evidence is currently insufficient to determine the role of this variant in disease. Therefore, it has been classified as a Variant of Uncertain Significance.

GeneDx
Classification: Uncertain significance. Last evaluated: 2020-02-17. Review status: criteria provided, single submitter. Criteria: GeneDx Variant Classification Process June 2021. Collection method: clinical testing. Allele origin: germline. Affected: yes.
Comment: Not observed in large population cohorts (Lek et al., 2016); In silico analysis supports that this missense variant does not alter protein structure/function; Has not been previously published as pathogenic or benign to our knowledge

NM_015559.3(SETBP1):c.3925T>C (p.Tyr1309His)

Gene: SETBP1 (SET binding protein 1; plus strand). Cytogenetic location: 18q12.3.
Variant type: single nucleotide variant.
Coding change: c.3925T>C on transcript NM_015559.3 (MANE Select); coding-DNA position 3925, T replaced by C.
Protein change: p.Tyr1309His; replaces tyrosine 1309 with histidine.
Molecular consequence: missense variant.
Genome position (GRCh38, 1-based): chr18:44,953,265, T>C. VCF-style: chr18-44953265-T-C. GRCh37 (hg19) VCF-style: chr18-42533230-T-C.
Other names: c.3925T>C, p.Tyr1309His (NM_001379141.1, NM_001379142.1); short protein forms Y1309H.
Identifiers: ClinVar variation 1315348 (VCV001315348.3), dbSNP rs1017289068, ClinGen allele CA299699959.